The following is an entry in ClinVar:

NM_000388.4(CASR):c.733C>T (p.Gln245Ter)

Gene: CASR (calcium sensing receptor; plus strand). Cytogenetic location: 3q21.1.
Variant type: single nucleotide variant.
Coding change: c.733C>T on transcript NM_000388.4 (MANE Select); coding-DNA position 733, C replaced by T.
Protein change: p.Gln245Ter; replaces glutamine 245 with a stop codon.
Molecular consequence: nonsense.
Genome position (GRCh38, 1-based): chr3:122,261,768, C>T. VCF-style: chr3-122261768-C-T. GRCh37 (hg19) VCF-style: chr3-121980615-C-T.
Other names: c.733C>T, p.Gln245Ter (NM_001178065.2); short protein forms Q245*.
Identifiers: ClinVar variation 532576 (VCV000532576.8), dbSNP rs1553766768, ClinGen allele CA354151236.

ClinVar aggregate classification (germline): Pathogenic (1 of 4 stars; one submission).

Conditions:
Familial hypocalciuric hypercalcemia (FHH). Also called: Familial benign hypercalcemia. Identifiers: Orphanet 405, MedGen C1809471, MONDO:0018458.
Autosomal dominant hypocalcemia 1 (HYPOC1). Also called: HYPOCALCEMIA, FAMILIAL. Identifiers: MedGen C3715128, MONDO:0011013, OMIM 601198.

Submission:

Labcorp Genetics (formerly Invitae), Labcorp
Classification: Pathogenic for Familial hypocalciuric hypercalcemia; Autosomal dominant hypocalcemia 1. Last evaluated: 2022-01-05. Review status: criteria provided, single submitter. Criteria: Invitae Variant Classification Sherloc (09022015). Collection method: clinical testing. Allele origin: germline.
Comment: For these reasons, this variant has been classified as Pathogenic. ClinVar contains an entry for this variant (Variation ID: 532576). This variant has not been reported in the literature in individuals affected with CASR-related conditions. This variant is not present in population databases (gnomAD no frequency). This sequence change creates a premature translational stop signal (p.Gln245*) in the CASR gene. It is expected to result in an absent or disrupted protein product. Loss-of-function variants in CASR are known to be pathogenic (PMID: 22422767).

Literature cited by the submitters: PubMed 22422767.